The following is an entry in ClinVar:

ClinVar aggregate classification (germline): Uncertain significance (1 of 4 stars; one submission).

Conditions:
Cardiovascular phenotype. Identifiers: MedGen CN230736.

Submission:

Ambry Genetics
Classification: Uncertain significance for Cardiovascular phenotype. Last evaluated: 2025-03-23. Review status: criteria provided, single submitter. Criteria: Ambry Variant Classification Scheme 2023. Collection method: clinical testing. Allele origin: germline.
Comment: The p.V1001A variant (also known as c.3002T>C), located in coding exon 20 of the FLNC gene, results from a T to C substitution at nucleotide position 3002. The valine at codon 1001 is replaced by alanine, an amino acid with similar properties. This amino acid position is conserved. In addition, this alteration is predicted to be deleterious by in silico analysis. Based on the available evidence, the clinical significance of this variant remains unclear.

NM_001458.5(FLNC):c.3002T>C (p.Val1001Ala)

Gene: FLNC (filamin C; plus strand). Cytogenetic location: 7q32.1.
Variant type: single nucleotide variant.
Coding change: c.3002T>C on transcript NM_001458.5 (MANE Select); coding-DNA position 3002, T replaced by C.
Protein change: p.Val1001Ala; replaces valine 1001 with alanine.
Molecular consequence: missense variant.
Genome position (GRCh38, 1-based): chr7:128,844,076, T>C. VCF-style: chr7-128844076-T-C. GRCh37 (hg19) VCF-style: chr7-128484130-T-C.
Other names: c.3002T>C, p.Val1001Ala (NM_001127487.2); short protein forms V1001A.
Identifiers: ClinVar variation 4025600 (VCV004025600.1).
Genomic context (GRCh38, chr7:128,844,076, plus strand): 5'-GACAGGAACAAGCATTCTCTGTGAACACACGAGGGGCTGGCGGTCAGGGCCAACTGGATG[T>C]GCGGATGACTTCGCCCTCTCGCCGGCCCATCCCCTGCAAGCTGGAGCCAGGCGGTGGAGC-3'
Protein context (NP_001449.3, residues 991-1011): RGAGGQGQLD[Val1001Ala]RMTSPSRRPI